The following is an entry in ClinVar:

ClinVar aggregate classification (germline): Likely pathogenic (1 of 4 stars; one submission).

Conditions:
Hereditary cancer-predisposing syndrome. Also called: Neoplastic Syndromes, Hereditary; Hereditary Cancer Syndrome; Hereditary neoplastic syndrome; Tumor predisposition. Identifiers: Orphanet 140162, MedGen C0027672, MeSH D009386, MONDO:0015356.

Submissions (2):

Ambry Genetics
Classification: Likely pathogenic for Hereditary cancer-predisposing syndrome. Last evaluated: 2023-04-28. Review status: criteria provided, single submitter. Criteria: Ambry Variant Classification Scheme 2023. Collection method: clinical testing. Allele origin: germline.
Comment: The c.210+1G>C intronic variant results from a G to C substitution one nucleotide after coding exon 2 of the TSC1 gene. Alterations that disrupt the canonical splice site are expected to cause aberrant splicing, resulting in an abnormal protein or a transcript that is subject to nonsense-mediated mRNA decay. This alteration has been observed in at least one individual with a personal and/or family history that is consistent with TSC1-related disease (Ambry internal data). This variant is considered to be rare based on population cohorts in the Genome Aggregation Database (gnomAD). This nucleotide position is highly conserved in available vertebrate species. In silico splice site analysis predicts that this alteration will weaken the native splice donor site. Based on the majority of available evidence to date, this variant is likely to be pathogenic.

Dr. Peter K. Rogan Lab, Western University
No classification provided (evidence only). Condition: Squamous cell lung carcinoma. Review status: no classification provided. Collection method: in vitro. Allele origin: not applicable. Functional consequence: skipped exon, retained intron. Not counted in ClinVar's aggregate classification.

NM_000368.5(TSC1):c.210+1G>C

Gene: TSC1 (TSC complex subunit 1; minus strand). Cytogenetic location: 9q34.13.
Variant type: single nucleotide variant.
Coding change: c.210+1G>C on transcript NM_000368.5 (MANE Select); the canonical splice donor site of the intron after coding-DNA position 210, G replaced by C.
Molecular consequence: splice donor variant. On other transcripts: intron variant (9).
Genome position (GRCh38, 1-based): chr9:132,927,200, C>G on the plus strand (G>C on the coding strand, the complement: TSC1 is on the minus strand). VCF-style: chr9-132927200-C-G. GRCh37 (hg19) VCF-style: chr9-135802587-C-G.
Other names: NC_000009.11:g.135802587C>G; c.-810+1G>C (NM_001406629.1); c.210+1G>C (NM_001406603.1, NM_001406609.1, NM_001406595.1 and 21 more transcripts); c.-153-1461G>C (NM_001406619.1, NM_001406622.1, NM_001362177.2 and 5 more transcripts); c.-245-1461G>C (NM_001406614.1); c.-668+1G>C (NM_001406628.1, NM_001406626.1, NM_001406627.1); c.-884+1G>C (NM_001406630.1); c.-246+1G>C (NM_001406624.1, NM_001406616.1); and 1 more.
Identifiers: ClinVar variation 2562853 (VCV002562853.3), dbSNP rs118203348, ClinGen allele CA375375016.
Genomic context (GRCh38, chr9:132,927,200, plus strand): 5'-GCACAGAAGCTGTTGTACTCATGAAGAACATATGAAATGCCTATGATATTTCAGCCATTA[C>G]CTTGTCATGTGGCTCTTGCAAGGTGGTCAGGATGTGCAATGCCGGCTGAGAGCTGGTTTC-3'